The following is an entry in ClinVar:

ClinVar aggregate classification (germline): Uncertain significance (1 of 4 stars; one submission).

Submission:

Ambry Genetics
Classification: Uncertain significance. Last evaluated: 2022-04-08. Review status: criteria provided, single submitter. Criteria: Ambry Variant Classification Scheme 2023. Collection method: clinical testing. Allele origin: germline.
Comment: The p.R92W variant (also known as c.274C>T), located in coding exon 1 of the GALNT12 gene, results from a C to T substitution at nucleotide position 274. The arginine at codon 92 is replaced by tryptophan, an amino acid with dissimilar properties. This amino acid position is conserved. In addition, this alteration is predicted to be tolerated by in silico analysis. Since supporting evidence is limited at this time, the clinical significance of this alteration remains unclear.

NM_024642.5(GALNT12):c.274C>T (p.Arg92Trp)

Gene: GALNT12 (polypeptide N-acetylgalactosaminyltransferase 12; plus strand). Cytogenetic location: 9q22.33.
Variant type: single nucleotide variant.
Coding change: c.274C>T on transcript NM_024642.5 (MANE Select); coding-DNA position 274, C replaced by T.
Protein change: p.Arg92Trp; replaces arginine 92 with tryptophan.
Molecular consequence: missense variant.
Genome position (GRCh38, 1-based): chr9:98,807,972, C>T. VCF-style: chr9-98807972-C-T. GRCh37 (hg19) VCF-style: chr9-101570254-C-T.
Other names: short protein forms R92W.
Identifiers: ClinVar variation 1795531 (VCV001795531.2), dbSNP rs2118257679, ClinGen allele CA374222723.